The following is an entry in ClinVar:

ClinVar aggregate classification (germline): Uncertain significance (1 of 4 stars; one submission).

gnomAD v4.1: 1 of 1,613,680 alleles (0.000062%); highest among the groups gnomAD compares: Non-Finnish European, 0.000085%; no homozygotes.

Submission:

GeneDx
Classification: Uncertain significance. Last evaluated: 2025-04-02. Review status: criteria provided, single submitter. Criteria: GeneDx Variant Classification Process June 2021. Collection method: clinical testing. Allele origin: germline. Affected: yes.
Comment: Not observed at significant frequency in large population cohorts (gnomAD); In silico analysis supports that this missense variant has a deleterious effect on protein structure/function; Has not been previously published as pathogenic or benign to our knowledge

NM_006421.5(ARFGEF1):c.2000C>T (p.Ser667Phe)

Gene: ARFGEF1 (ARF guanine nucleotide exchange factor 1; minus strand). Cytogenetic location: 8q13.2.
Variant type: single nucleotide variant.
Coding change: c.2000C>T on transcript NM_006421.5 (MANE Select); coding-DNA position 2000, C replaced by T.
Protein change: p.Ser667Phe; replaces serine 667 with phenylalanine.
Molecular consequence: missense variant. On other transcripts: non-coding transcript variant (1).
Genome position (GRCh38, 1-based): chr8:67,266,129, G>A on the plus strand (C>T on the coding strand, the complement: ARFGEF1 is on the minus strand). VCF-style: chr8-67266129-G-A. GRCh37 (hg19) VCF-style: chr8-68178364-G-A.
Other names: c.2000C>T, p.Ser667Phe (NM_001413184.1, NM_001413185.1, NM_001413186.1 and 7 more transcripts); c.1400C>T, p.Ser467Phe (NM_001413188.1, NM_001413193.1, NM_001413197.1); c.575C>T, p.Ser192Phe (NM_001413196.1); short protein forms S192F, S467F, S667F.
Identifiers: ClinVar variation 4278806 (VCV004278806.1).